The following is an entry in ClinVar:

NM_213599.3(ANO5):c.404C>A (p.Ala135Asp)

Gene: ANO5 (anoctamin 5; plus strand). Cytogenetic location: 11p14.3.
Variant type: single nucleotide variant.
Coding change: c.404C>A on transcript NM_213599.3 (MANE Select); coding-DNA position 404, C replaced by A.
Protein change: p.Ala135Asp; replaces alanine 135 with aspartic acid.
Molecular consequence: missense variant.
Genome position (GRCh38, 1-based): chr11:22,227,342, C>A. VCF-style: chr11-22227342-C-A. GRCh37 (hg19) VCF-style: chr11-22248888-C-A.
Other names: c.401C>A, p.Ala134Asp (NM_001142649.2); c.362C>A, p.Ala121Asp (NM_001410963.1); c.359C>A, p.Ala120Asp (NM_001410964.1); short protein forms A120D, A121D, A134D, A135D.
Identifiers: ClinVar variation 3749362 (VCV003749362.2).
Genomic context (GRCh38, chr11:22,227,342, plus strand): 5'-TTGCCTTTTTTTTAATGCAGGACTCGGAAGATGGAAGAACTTATTTTGTCAAGATCCATG[C>A]CCCTTGGGAGGTATTAGTTACCTATGCTGAAGTCTTGGGAATCAAAATGCCTATTAAGGA-3'
Protein context (NP_998764.1, residues 125-145): DGRTYFVKIH[Ala135Asp]PWEVLVTYAE

ClinVar aggregate classification (germline): Uncertain significance (1 of 4 stars; one submission).

Conditions:
Gnathodiaphyseal dysplasia (GDD). Also called: GNATHODIAPHYSEAL SCLEROSIS; OSTEOGENESIS IMPERFECTA WITH UNUSUAL SKELETAL LESIONS. Identifiers: Orphanet 53697, MedGen C1833736, MONDO:0008151, OMIM 166260.
Autosomal recessive limb-girdle muscular dystrophy type 2L (LGMDR12). Also called: Limb-girdle muscular dystrophy, type 2L; MUSCULAR DYSTROPHY, LIMB-GIRDLE, AUTOSOMAL RECESSIVE 12; Limb-Girdle Muscular Dystrophy R12 Anoctamin-5-Related (LGMD-R12). Identifiers: Orphanet 206549, MedGen C1969785, MONDO:0012652, OMIM 611307.

gnomAD v4.1: 3 of 1,613,294 alleles (0.00019%); highest among the groups gnomAD compares: Non-Finnish European, 0.00025%; no homozygotes.

Submission:

Labcorp Genetics (formerly Invitae), Labcorp
Classification: Uncertain significance for Autosomal recessive limb-girdle muscular dystrophy type 2L; Gnathodiaphyseal dysplasia. Last evaluated: 2024-02-14. Review status: criteria provided, single submitter. Criteria: Invitae Variant Classification Sherloc (09022015). Collection method: clinical testing. Allele origin: germline.
Comment: This sequence change replaces alanine, which is neutral and non-polar, with aspartic acid, which is acidic and polar, at codon 135 of the ANO5 protein (p.Ala135Asp). This variant is not present in population databases (gnomAD no frequency). This variant has not been reported in the literature in individuals affected with ANO5-related conditions. Advanced modeling of protein sequence and biophysical properties (such as structural, functional, and spatial information, amino acid conservation, physicochemical variation, residue mobility, and thermodynamic stability) performed at Invitae indicates that this missense variant is expected to disrupt ANO5 protein function with a positive predictive value of 95%. In summary, the available evidence is currently insufficient to determine the role of this variant in disease. Therefore, it has been classified as a Variant of Uncertain Significance.